The following is an entry in ClinVar:

NM_000465.4(BARD1):c.1886G>A (p.Trp629Ter)

Gene: BARD1 (BRCA1 associated RING domain 1; minus strand). Cytogenetic location: 2q35.
Variant type: single nucleotide variant.
Coding change: c.1886G>A on transcript NM_000465.4 (MANE Select); coding-DNA position 1886, G replaced by A.
Protein change: p.Trp629Ter; replaces tryptophan 629 with a stop codon.
Molecular consequence: nonsense. On other transcripts: non-coding transcript variant (3), intron variant (1).
Genome position (GRCh38, 1-based): chr2:214,745,084, C>T on the plus strand (G>A on the coding strand, the complement: BARD1 is on the minus strand). VCF-style: chr2-214745084-C-T. GRCh37 (hg19) VCF-style: chr2-215609808-C-T.
Other names: c.1829G>A, p.Trp610Ter (NM_001282543.2); c.533G>A, p.Trp178Ter (NM_001282545.2); c.476G>A, p.Trp159Ter (NM_001282548.2); c.365-14576G>A (NM_001282549.2); short protein forms W629*, W178*, W159*, W610*.
Identifiers: ClinVar variation 481417 (VCV000481417.7), dbSNP rs747446711, ClinGen allele CA2090145.
Genomic context (GRCh38, chr2:214,745,084, plus strand): 5'-CTAGTCTAATTCATTTCTTAATTCTCTCAAATCCAACACTTACATTCAAATTTTAGAATC[C>T]AGCATCCATTGAGAATCCCAAGCATACACTTCAAGGTACTTTGAACTGCATCACCAGGAA-3'

ClinVar aggregate classification (germline): Pathogenic. Review status: criteria provided, multiple submitters, no conflicts (2 of 4 stars). 2 submissions from 2 submitters: Pathogenic (2). Last evaluated 2025-12-16.

Conditions:
Familial cancer of breast. Also called: BREAST CANCER, FAMILIAL; Hereditary breast cancer; hereditary breast carcinoma. Identifiers: Orphanet 227535, MedGen C0346153, MONDO:0016419, OMIM 114480. Disease mechanism: loss of function.
Hereditary cancer-predisposing syndrome. Also called: Hereditary Cancer Syndrome; Neoplastic Syndromes, Hereditary; Tumor predisposition; Hereditary neoplastic syndrome. Identifiers: Orphanet 140162, MedGen C0027672, MeSH D009386, MONDO:0015356.

gnomAD v4.1: 1 of 1,613,784 alleles (0.000062%); highest among the groups gnomAD compares: South Asian, 0.0011%; no homozygotes.

Submissions (2):

Myriad Genetics, Inc.
Classification: Pathogenic for Familial cancer of breast. Last evaluated: 2025-12-16. Review status: criteria provided, single submitter. Criteria: Myriad Autosomal Dominant, Autosomal Recessive and X-Linked Classification Criteria (2023). Collection method: clinical testing. Allele origin: unknown.
Comment: This variant is considered pathogenic. This variant creates a termination codon and is predicted to result in premature protein truncation.

Ambry Genetics
Classification: Pathogenic for Hereditary cancer-predisposing syndrome. Last evaluated: 2025-07-16. Review status: criteria provided, single submitter. Criteria: Ambry Variant Classification Scheme 2023. Collection method: clinical testing. Allele origin: germline.
Comment: The p.W629* pathogenic mutation (also known as c.1886G>A), located in coding exon 9 of the BARD1 gene, results from a G to A substitution at nucleotide position 1886. This changes the amino acid from a tryptophan to a stop codon within coding exon 9. This alteration is expected to result in loss of function by premature protein truncation or nonsense-mediated mRNA decay. As such, this alteration is interpreted as a disease-causing mutation.